The following is an entry in ClinVar:

NM_001042702.5(PJVK):c.669C>T (p.Asp223=)

Gene: PJVK (pejvakin; plus strand). Cytogenetic location: 2q31.2.
Variant type: single nucleotide variant.
Coding change: c.669C>T on transcript NM_001042702.5 (MANE Select); coding-DNA position 669, C replaced by T.
Protein change: p.Asp223=; no amino-acid change (aspartic acid 223 retained).
Molecular consequence: synonymous variant. On other transcripts: intron variant (1).
Genome position (GRCh38, 1-based): chr2:178,460,349, C>T. VCF-style: chr2-178460349-C-T. GRCh37 (hg19) VCF-style: chr2-179325076-C-T.
Other names: c.678C>T, p.Asp226= (NM_001353775.2); c.192C>T, p.Asp64= (NM_001353777.1, NM_001353778.2); c.669C>T, p.Asp223= (NM_001369912.1); c.773-633C>T (NM_001353776.2).
Identifiers: ClinVar variation 227297 (VCV000227297.7), dbSNP rs774085388, ClinGen allele CA1984266.

ClinVar aggregate classification (germline): Likely benign. Review status: criteria provided, multiple submitters, no conflicts (2 of 4 stars). 2 submissions from 2 submitters: Likely benign (2). Last evaluated 2024-01-31.

Allele frequency attached by ClinVar (database versions not stated): gnomAD 0.00001; gnomAD exomes 0.00001 and 0.00002; TOPMed 0.00001; ExAC 0.00003.
gnomAD v4.1: 27 of 1,613,382 alleles (0.0017%); highest among the groups gnomAD compares: Non-Finnish European, 0.0017%; no homozygotes.

Submissions (2):

Labcorp Genetics (formerly Invitae), Labcorp
Classification: Likely benign. Last evaluated: 2024-01-31. Review status: criteria provided, single submitter. Criteria: Invitae Variant Classification Sherloc (09022015). Collection method: clinical testing. Allele origin: germline.

Laboratory for Molecular Medicine, Mass General Brigham Personalized Medicine
Classification: Likely benign. Last evaluated: 2015-04-28. Review status: criteria provided, single submitter. Criteria: LMM Criteria. Collection method: clinical testing. Allele origin: germline. Observed: 1 variant allele.
Comment: p.Asp223Asp in exon 6 of DFNB59: This variant is not expected to have clinical s ignificance because it does not alter an amino acid residue and is not located w ithin the splice consensus sequence. It has been identified in 4/66022 European chromosomes by the Exome Aggregation Consortium (ExAC).